The following is an entry in ClinVar:

NM_000521.4(HEXB):c.295_297delinsT (p.Arg99fs)

Gene: HEXB (hexosaminidase subunit beta; plus strand). Cytogenetic location: 5q13.3.
Variant type: Indel.
Coding change: c.295_297delinsT on transcript NM_000521.4 (MANE Select); coding-DNA positions 295 to 297, CGA replaced by T.
Protein change: p.Arg99fs; shifts the reading frame from arginine 99.
Molecular consequence: frameshift variant. On other transcripts: intron variant (1).
Genome position (GRCh38, 1-based): chr5:74,685,555-74,685,557, CGA replaced by T. VCF-style: chr5-74685555-CGA-T. GRCh37 (hg19) VCF-style: chr5-73981380-CGA-T.
Other names: c.-376-3773_-376-3771delinsT (NM_001292004.2); short protein forms R99fs.
Identifiers: ClinVar variation 1726698 (VCV001726698.2), dbSNP rs2478687962, ClinGen allele CA2580073415.

ClinVar aggregate classification (germline): Likely pathogenic (1 of 4 stars; one submission).

Conditions:
Sandhoff disease. Also called: GM2-GANGLIOSIDOSIS, TYPE II; HEXOSAMINIDASES A AND B DEFICIENCY; Beta-hexosaminidase-beta-subunit deficiency; GM2 gangliosidosis, type 2; Total hexosaminidase deficiency; Sandhoff-Jatzkewitz-Pilz disease. Identifiers: Orphanet 796, MedGen C0036161, MONDO:0010006, OMIM 268800.

Submission:

Myriad Genetics, Inc.
Classification: Likely pathogenic for Sandhoff disease. Last evaluated: 2021-12-30. Review status: criteria provided, single submitter. Criteria: Myriad Women's Health Autosomal Recessive and X-Linked Classification Criteria (2021). Collection method: clinical testing. Allele origin: unknown.
Comment: NM_000521.3(HEXB):c.295_297delCGAinsT(R99Sfs*15) is expected to be pathogenic in the context of Sandhoff disease. This variant is predicted to lead to an abnormal or absent protein product due to the creation of a premature termination codon in HEXB, a gene where loss-of-function variants are known to be pathogenic. Please note: this variant was assessed in the context of healthy population screening.